The following is an entry in ClinVar:

ClinVar aggregate classification (germline): Pathogenic. Review status: criteria provided, multiple submitters, no conflicts (2 of 4 stars). 6 submissions from 6 submitters: Pathogenic (4). 2 of the submissions do not count toward it. Last evaluated 2025-08-14.

Conditions:
Familial focal epilepsy with variable foci (FPEVF). Identifiers: Orphanet 98820, MedGen C1858477, MONDO:0020310.
Epilepsy, familial focal, with variable foci 1 (FFEVF1). Also called: DEPDC5-Related Epilepsy. Identifiers: MedGen C4551983, MONDO:0024556, OMIM 604364.

Allele frequency attached by ClinVar (database versions not stated): TOPMed below 0.00001; gnomAD exomes below 0.00001.
gnomAD v4.1: 2 of 1,614,178 alleles (0.00012%); highest among the groups gnomAD compares: Admixed American, 0.0017%; no homozygotes.

Submissions (6):

Labcorp Genetics (formerly Invitae), Labcorp
Classification: Pathogenic for Familial focal epilepsy with variable foci. Last evaluated: 2025-08-14. Review status: criteria provided, single submitter. Criteria: Invitae Variant Classification Sherloc (09022015). Collection method: clinical testing. Allele origin: germline.
Comment: This sequence change creates a premature translational stop signal (p.Arg587*) in the DEPDC5 gene. It is expected to result in an absent or disrupted protein product. Loss-of-function variants in DEPDC5 are known to be pathogenic (PMID: 23542697, 23542701). This variant is present in population databases (no rsID available, gnomAD 0.003%). This premature translational stop signal has been observed in individual(s) with focal epilepsy (PMID: 25623524, 31875159). ClinVar contains an entry for this variant (Variation ID: 264734). Algorithms developed to predict the effect of sequence changes on RNA splicing suggest that this variant may disrupt the consensus splice site. For these reasons, this variant has been classified as Pathogenic.

Institute of Human Genetics, University of Leipzig Medical Center
Classification: Pathogenic for Epilepsy, familial focal, with variable foci 1. Last evaluated: 2025-03-28. Review status: criteria provided, single submitter. Criteria: ACMG Guidelines, 2015. Collection method: clinical testing. Allele origin: unknown. Inheritance: Autosomal dominant inheritance. Affected: yes.
Comment: Criteria applied: PVS1, PS4_MOD, PM2_SUP

CeGaT Center for Human Genetics Tuebingen
Classification: Pathogenic. Last evaluated: 2023-11-01. Review status: criteria provided, single submitter. Criteria: CeGaT Center For Human Genetics Tuebingen Variant Classification Criteria Version 2. Collection method: clinical testing. Allele origin: germline. Affected: yes. Observed: 2 variant alleles.
Comment: DEPDC5: PVS1, PM2, PS4:Moderate

GeneDx
Classification: Pathogenic. Last evaluated: 2021-04-12. Review status: criteria provided, single submitter. Criteria: GeneDx Variant Classification Process June 2021. Collection method: clinical testing. Allele origin: germline. Affected: yes.
Comment: Nonsense variant predicted to result in protein truncation or nonsense mediated decay in a gene for which loss-of-function is a known mechanism of disease; Not observed at significant frequency in large population cohorts (Lek et al., 2016); This variant is associated with the following publications: (PMID: 30868684, 31875159, 25623524, 30485578, 30093711, 27683934)

Clinical Laboratory Sciences Program (CLSP), King Saud bin Abdulaziz University for Health Sciences (KSAU-HS)
Classification: Pathogenic for Epilepsy, familial focal, with variable foci 1. Last evaluated: 2023-04-01. Review status: no assertion criteria provided. Collection method: clinical testing. Allele origin: germline. Affected: yes. Not counted in ClinVar's aggregate classification.

GeneReviews
No classification provided. Condition: Epilepsy, familial focal, with variable foci 1. Review status: no classification provided. Collection method: literature only. Allele origin: germline. Affected: yes. Not counted in ClinVar's aggregate classification.

Literature cited by the submitters: PubMed 23542697 (cited by Labcorp Genetics (formerly Invitae), Labcorp); PubMed 23542701 (cited by Labcorp Genetics (formerly Invitae), Labcorp); PubMed 25623524 (cited by Labcorp Genetics (formerly Invitae), Labcorp and GeneReviews); PubMed 31875159 (cited by Labcorp Genetics (formerly Invitae), Labcorp); NCBI Bookshelf NBK385626 (cited by GeneReviews).

NM_001242896.3(DEPDC5):c.1759C>T (p.Arg587Ter)

Gene: DEPDC5 (DEP domain containing 5, GATOR1 subcomplex subunit; plus strand). Cytogenetic location: 22q12.3.
Variant type: single nucleotide variant.
Coding change: c.1759C>T on transcript NM_001242896.3 (MANE Select); coding-DNA position 1759, C replaced by T.
Protein change: p.Arg587Ter; replaces arginine 587 with a stop codon.
Molecular consequence: nonsense. On other transcripts: non-coding transcript variant (5).
Genome position (GRCh38, 1-based): chr22:31,819,114, C>T. VCF-style: chr22-31819114-C-T. GRCh37 (hg19) VCF-style: chr22-32215100-C-T.
Other names: c.1759C>T, p.Arg587Ter (NM_001136029.4, NM_001242897.2, NM_001363852.2 and 6 more transcripts); c.1675C>T, p.Arg559Ter (NM_001369901.1, NM_001369902.1); short protein forms R587*, R559*.
Identifiers: ClinVar variation 264734 (VCV000264734.61), dbSNP rs886039263, ClinGen allele CA10588045.
Genomic context (GRCh38, chr22:31,819,114, plus strand): 5'-CGAGACTCCAGTGCACCAGGGAGGTTTCACGTTGGCAGTGCAGAATCCATGCTGCATGTT[C>T]GACCTGGTGGATACACGCCCCAGAGAGCACTGATTAACCCCTTCGCTCCCTCTCGGATGC-3'